The following is an entry in ClinVar:

ClinVar aggregate classification (germline): Uncertain significance (1 of 4 stars; one submission).

Conditions:
Pontocerebellar hypoplasia type 1B. Also called: EXOSC3 Pontocerebellar Hypoplasia. Identifiers: Orphanet 2254, MedGen C3553449, MONDO:0013853, OMIM 614678.

Submission:

Labcorp Genetics (formerly Invitae), Labcorp
Classification: Uncertain significance for Pontocerebellar hypoplasia type 1B. Last evaluated: 2022-03-30. Review status: criteria provided, single submitter. Criteria: Invitae Variant Classification Sherloc (09022015). Collection method: clinical testing. Allele origin: germline.
Comment: This sequence change replaces serine, which is neutral and polar, with tyrosine, which is neutral and polar, at codon 104 of the EXOSC3 protein (p.Ser104Tyr). This variant is not present in population databases (gnomAD no frequency). This variant has not been reported in the literature in individuals affected with EXOSC3-related conditions. Algorithms developed to predict the effect of missense changes on protein structure and function are either unavailable or do not agree on the potential impact of this missense change (SIFT: "Tolerated"; PolyPhen-2: "Probably Damaging"; Align-GVGD: "Class C0"). In summary, the available evidence is currently insufficient to determine the role of this variant in disease. Therefore, it has been classified as a Variant of Uncertain Significance.

NM_016042.4(EXOSC3):c.311C>A (p.Ser104Tyr)

Gene: EXOSC3 (exosome component 3; minus strand). Cytogenetic location: 9p13.2.
Variant type: single nucleotide variant.
Coding change: c.311C>A on transcript NM_016042.4 (MANE Select); coding-DNA position 311, C replaced by A.
Protein change: p.Ser104Tyr; replaces serine 104 with tyrosine.
Molecular consequence: missense variant.
Genome position (GRCh38, 1-based): chr9:37,784,734, G>T on the plus strand (C>A on the coding strand, the complement: EXOSC3 is on the minus strand). VCF-style: chr9-37784734-G-T. GRCh37 (hg19) VCF-style: chr9-37784731-G-T.
Other names: c.311C>A, p.Ser104Tyr (NM_001002269.2); short protein forms S104Y.
Identifiers: ClinVar variation 2119594 (VCV002119594.1), dbSNP rs2489890884, ClinGen allele CA373475635.
Genomic context (GRCh38, chr9:37,784,734, plus strand): 5'-GGCTACCACTCTCACTGCCGCACCACCCCTCCGGAGTCCCAGCTCACCCGCTTCTGCTGA[G>T]AGTCCACCCAGTAAACACCGCCGCCGCTGCCACTGCCGGGCTCCTTGTGACGGAGGCGGC-3'
Protein context (NP_057126.2, residues 94-114): GSGGGVYWVD[Ser104Tyr]QQKRYVPVKG